The following is an entry in ClinVar:

ClinVar aggregate classification (germline): Uncertain significance. Review status: criteria provided, single submitter (1 of 4 stars). 2 submissions from 2 submitters: Uncertain significance (1). 1 of the submissions does not count toward it. Last evaluated 2019-07-09.

Conditions:
Familial Mediterranean fever (FMF). Also called: POLYSEROSITIS, FAMILIAL PAROXYSMAL; POLYSEROSITIS, RECURRENT; Periodic peritonitis; Benign paroxysmal peritonitis. Identifiers: Orphanet 342, MedGen C0031069, MONDO:0018088, OMIM 249100. Disease mechanism: gain of function.

Submissions (2):

Labcorp Genetics (formerly Invitae), Labcorp
Classification: Uncertain significance for Familial Mediterranean fever. Last evaluated: 2019-07-09. Review status: criteria provided, single submitter. Criteria: Invitae Variant Classification Sherloc (09022015). Collection method: clinical testing. Allele origin: germline.
Comment: This sequence change creates a premature translational stop signal (p.Gly296Trpfs*29) in the MEFV gene. It is expected to result in an absent or disrupted protein product. This variant is not present in population databases (ExAC no frequency). This variant has not been reported in the literature in individuals with MEFV-related conditions. The current clinical and genetic evidence is not sufficient to establish whether loss-of-function variants in MEFV cause disease. In summary, the available evidence is currently insufficient to determine the role of this variant in disease. Therefore, it has been classified as a Variant of Uncertain Significance.

Natera, Inc.
Classification: Uncertain significance for Familial Mediterranean fever. Last evaluated: 2021-09-08. Review status: no assertion criteria provided. Collection method: clinical testing. Allele origin: germline. Not counted in ClinVar's aggregate classification.

NM_000243.3(MEFV):c.884dup (p.Gly296fs)

Gene: MEFV (MEFV innate immunity regulator, pyrin; minus strand). Cytogenetic location: 16p13.3.
Variant type: Duplication.
Coding change: c.884dup on transcript NM_000243.3 (MANE Select); coding-DNA position 884, one base duplicated (C; older notation c.884dupC).
Protein change: p.Gly296fs; shifts the reading frame from glycine 296.
Molecular consequence: frameshift variant. On other transcripts: intron variant (1).
Genome position (GRCh38, 1-based): chr16:3,254,184, G duplicated on the plus strand (C on the coding strand, the reverse complement: MEFV is on the minus strand); the first of 3 consecutive G bases (chr16:3,254,184-3,254,186); duplicating any one gives the same sequence. VCF-style (leftmost placement, unchanged base first): chr16-3254183-A-AG. GRCh37 (hg19) VCF-style: chr16-3304183-A-AG.
Other names: c.884dupC (NM_000243.2); c.277+2127dup (NM_001198536.2); short protein forms G296fs.
Identifiers: ClinVar variation 650911 (VCV000650911.10), dbSNP rs1301893365, ClinGen allele CA620713323.